The following is an entry in ClinVar:

NM_000038.6(APC):c.3761T>C (p.Ile1254Thr)

Gene: APC (APC regulator of Wnt signaling pathway; plus strand). Cytogenetic location: 5q22.2.
Variant type: single nucleotide variant.
Coding change: c.3761T>C on transcript NM_000038.6 (MANE Select); coding-DNA position 3761, T replaced by C.
Protein change: p.Ile1254Thr; replaces isoleucine 1254 with threonine.
Molecular consequence: missense variant.
Genome position (GRCh38, 1-based): chr5:112,839,355, T>C. VCF-style: chr5-112839355-T-C. GRCh37 (hg19) VCF-style: chr5-112175052-T-C.
Other names: c.3761T>C, p.Ile1254Thr (NM_001127510.3, NM_001354895.2); c.3707T>C, p.Ile1236Thr (NM_001127511.3); c.3815T>C, p.Ile1272Thr (NM_001354896.2); c.3791T>C, p.Ile1264Thr (NM_001354897.2); c.3686T>C, p.Ile1229Thr (NM_001354898.2); c.3677T>C, p.Ile1226Thr (NM_001354899.2); c.3638T>C, p.Ile1213Thr (NM_001354900.2); c.3584T>C, p.Ile1195Thr (NM_001354901.2); and 5 more; short protein forms I1254T, I1236T, I1128T, I1213T, I1229T, I971T, I1163T, I1226T.
Identifiers: ClinVar variation 482414 (VCV000482414.13), dbSNP rs1554085289, ClinGen allele CA16029581.

ClinVar aggregate classification (germline): Uncertain significance. Review status: criteria provided, multiple submitters, no conflicts (2 of 4 stars). 3 submissions from 3 submitters: Uncertain significance (3). Last evaluated 2025-10-23.

Conditions:
Hereditary cancer-predisposing syndrome. Also called: Neoplastic Syndromes, Hereditary; Tumor predisposition; Hereditary Cancer Syndrome; Hereditary neoplastic syndrome. Identifiers: Orphanet 140162, MedGen C0027672, MeSH D009386, MONDO:0015356.
Familial adenomatous polyposis 1 (FAP1). Also called: FAMILIAL ADENOMATOUS POLYPOSIS 1, ATTENUATED; POLYPOSIS, ADENOMATOUS INTESTINAL. Identifiers: MedGen C2713442, MONDO:0021056, OMIM 175100. Disease mechanism: loss of function.

Allele frequency attached by ClinVar (database versions not stated): gnomAD exomes below 0.00001; gnomAD 0.00001; TOPMed 0.00001.
gnomAD v4.1: 3 of 1,613,130 alleles (0.00019%); highest among the groups gnomAD compares: Non-Finnish European, 0.00025%; no homozygotes.

Submissions (3):

Labcorp Genetics (formerly Invitae), Labcorp
Classification: Uncertain significance for Familial adenomatous polyposis 1. Last evaluated: 2025-10-23. Review status: criteria provided, single submitter. Criteria: Invitae Variant Classification Sherloc (09022015). Collection method: clinical testing. Allele origin: germline.
Comment: This sequence change replaces isoleucine, which is neutral and non-polar, with threonine, which is neutral and polar, at codon 1254 of the APC protein (p.Ile1254Thr). This variant is not present in population databases (gnomAD no frequency). This variant has not been reported in the literature in individuals affected with APC-related conditions. ClinVar contains an entry for this variant (Variation ID: 482414). Invitae Evidence Modeling of protein sequence and biophysical properties (such as structural, functional, and spatial information, amino acid conservation, physicochemical variation, residue mobility, and thermodynamic stability) indicates that this missense variant is not expected to disrupt APC protein function with a negative predictive value of 95%. In summary, the available evidence is currently insufficient to determine the role of this variant in disease. Therefore, it has been classified as a Variant of Uncertain Significance.

Ambry Genetics
Classification: Uncertain significance for Hereditary cancer-predisposing syndrome. Last evaluated: 2025-08-04. Review status: criteria provided, single submitter. Criteria: Ambry Variant Classification Scheme 2023. Collection method: clinical testing. Allele origin: germline.
Comment: The p.I1254T variant (also known as c.3761T>C), located in coding exon 15 of the APC gene, results from a T to C substitution at nucleotide position 3761. The isoleucine at codon 1254 is replaced by threonine, an amino acid with similar properties. This amino acid position is highly conserved in available vertebrate species. In addition, in silico predictors for this gene do not accurately predict pathogenicity. Since supporting evidence is limited at this time, the clinical significance of this alteration remains unclear.

Baylor Genetics
Classification: Uncertain significance for Familial adenomatous polyposis 1. Last evaluated: 2023-09-21. Review status: criteria provided, single submitter. Criteria: ACMG Guidelines, 2015. Collection method: clinical testing. Allele origin: unknown.